The following is an entry in ClinVar:

NM_006648.4(WNK2):c.3290C>A (p.Pro1097Gln)

Gene: WNK2 (WNK lysine deficient protein kinase 2; plus strand). Cytogenetic location: 9q22.31.
Variant type: single nucleotide variant.
Coding change: c.3290C>A on transcript NM_006648.4 (MANE Select); coding-DNA position 3290, C replaced by A.
Protein change: p.Pro1097Gln; replaces proline 1097 with glutamine.
Molecular consequence: missense variant.
Genome position (GRCh38, 1-based): chr9:93,262,037, C>A. VCF-style: chr9-93262037-C-A. GRCh37 (hg19) VCF-style: chr9-96024319-C-A.
Other names: c.3290C>A, p.Pro1097Gln (NM_001282394.3); short protein forms P1097Q.
Identifiers: ClinVar variation 4201554 (VCV004201554.1).

ClinVar aggregate classification (germline): Uncertain significance (1 of 4 stars; one submission).

gnomAD v4.1: 2 of 1,610,554 alleles (0.00012%); highest among the groups gnomAD compares: South Asian, 0.0011%; no homozygotes.

Submission:

Ambry Genetics
Classification: Uncertain significance. Last evaluated: 2025-06-24. Review status: criteria provided, single submitter. Criteria: Ambry Variant Classification Scheme 2023. Collection method: clinical testing. Allele origin: germline.
Comment: The p.P1097Q variant (also known as c.3290C>A), located in coding exon 12 of the WNK2 gene, results from a C to A substitution at nucleotide position 3290. The proline at codon 1097 is replaced by glutamine, an amino acid with similar properties. This amino acid position is conserved. In addition, this alteration is predicted to be tolerated by in silico analysis. Based on the available evidence, the clinical significance of this variant remains unclear.